The following is an entry in ClinVar:

ClinVar aggregate classification (germline): Uncertain significance (1 of 4 stars; one submission).

Conditions:
Inborn genetic diseases. Identifiers: MedGen C0950123, MeSH D030342.

Submission:

Ambry Genetics
Classification: Uncertain significance for Inborn genetic diseases. Last evaluated: 2026-04-06. Review status: criteria provided, single submitter. Criteria: Ambry Variant Classification Scheme 2023. Collection method: clinical testing. Allele origin: germline.
Comment: The p.F441L variant (also known as c.1321T>C), located in coding exon 6 of the SH2B3 gene, results from a T to C substitution at nucleotide position 1321. The phenylalanine at codon 441 is replaced by leucine, an amino acid with highly similar properties. This amino acid position is conserved. In addition, this alteration is predicted to be deleterious by in silico analysis. Based on the available evidence, the clinical significance of this variant remains unclear.

NM_005475.3(SH2B3):c.1321T>C (p.Phe441Leu)

Gene: SH2B3 (SH2B adaptor protein 3; plus strand). Cytogenetic location: 12q24.12.
Variant type: single nucleotide variant.
Coding change: c.1321T>C on transcript NM_005475.3 (MANE Select); coding-DNA position 1321, T replaced by C.
Protein change: p.Phe441Leu; replaces phenylalanine 441 with leucine.
Molecular consequence: missense variant.
Genome position (GRCh38, 1-based): chr12:111,447,740, T>C. VCF-style: chr12-111447740-T-C. GRCh37 (hg19) VCF-style: chr12-111885544-T-C.
Other names: c.715T>C, p.Phe239Leu (NM_001291424.1); short protein forms F239L, F441L.
Identifiers: ClinVar variation 4864412 (VCV004864412.1).